The following is an entry in ClinVar:

ClinVar aggregate classification (germline): Conflicting classifications of pathogenicity. Review status: criteria provided, conflicting classifications (1 of 4 stars). 3 submissions from 3 submitters: Uncertain significance (2); Likely benign (1). Last evaluated 2025-11-27.

Conditions:
Hereditary cancer-predisposing syndrome. Also called: Hereditary Cancer Syndrome; Tumor predisposition; Neoplastic Syndromes, Hereditary; Hereditary neoplastic syndrome. Identifiers: Orphanet 140162, MedGen C0027672, MeSH D009386, MONDO:0015356.
Hereditary breast ovarian cancer syndrome. Also called: Hereditary breast and ovarian cancer syndrome; Hereditary breast and/or ovarian cancer syndrome; Hereditary breast and ovarian cancer syndrome (HBOC); Breast and ovarian cancer; Hereditary breast and ovarian cancer; BRCA1- and BRCA2-Associated Hereditary Breast and Ovarian Cancer. Identifiers: Orphanet 145, MedGen C0677776, MeSH D061325, MONDO:0003582. Disease mechanism: loss of function.

Allele frequency attached by ClinVar (database versions not stated): gnomAD exomes below 0.00001.
gnomAD v4.1: 3 of 1,591,920 alleles (0.00019%); highest among the groups gnomAD compares: Non-Finnish European, 0.00026%; no homozygotes.

Submissions (3):

Labcorp Genetics (formerly Invitae), Labcorp
Classification: Uncertain significance for Hereditary breast ovarian cancer syndrome. Last evaluated: 2025-11-27. Review status: criteria provided, single submitter. Criteria: Invitae Variant Classification Sherloc (09022015). Collection method: clinical testing. Allele origin: germline.
Comment: This sequence change replaces serine, which is neutral and polar, with glycine, which is neutral and non-polar, at codon 307 of the BRCA2 protein (p.Ser307Gly). This variant is not present in population databases (gnomAD no frequency). This variant has not been reported in the literature in individuals affected with BRCA2-related conditions. ClinVar contains an entry for this variant (Variation ID: 863667). Invitae Evidence Modeling of protein sequence and biophysical properties (such as structural, functional, and spatial information, amino acid conservation, physicochemical variation, residue mobility, and thermodynamic stability) indicates that this missense variant is not expected to disrupt BRCA2 protein function with a negative predictive value of 95%. In summary, the available evidence is currently insufficient to determine the role of this variant in disease. Therefore, it has been classified as a Variant of Uncertain Significance.

Ambry Genetics
Classification: Uncertain significance for Hereditary cancer-predisposing syndrome. Last evaluated: 2024-09-27. Review status: criteria provided, single submitter. Criteria: Ambry Variant Classification Scheme 2023. Collection method: clinical testing. Allele origin: germline.
Comment: The p.S307G variant (also known as c.919A>G), located in coding exon 9 of the BRCA2 gene, results from an A to G substitution at nucleotide position 919. The serine at codon 307 is replaced by glycine, an amino acid with similar properties. This amino acid position is well conserved in available vertebrate species. In addition, this alteration is predicted to be tolerated by in silico analysis. Based on the available evidence, the clinical significance of this variant remains unclear.

University of Washington Department of Laboratory Medicine, University of Washington
Classification: Likely benign for Hereditary cancer-predisposing syndrome. Last evaluated: 2023-03-23. Review status: criteria provided, single submitter. Criteria: Dines et al. (Genet Med. 2020). Collection method: curation. Allele origin: germline.
Comment: Missense variant in a coldspot region where missense variants are very unlikely to be pathogenic (PMID:31911673).

BRCA2 exon 10 coldspot. Reclassification based on statistical prior probability.

NM_000059.4(BRCA2):c.919A>G (p.Ser307Gly)

Gene: BRCA2 (BRCA2 DNA repair associated; plus strand). Cytogenetic location: 13q13.1.
Variant type: single nucleotide variant.
Coding change: c.919A>G on transcript NM_000059.4 (MANE Select); coding-DNA position 919, A replaced by G.
Protein change: p.Ser307Gly; replaces serine 307 with glycine.
Molecular consequence: missense variant.
Genome position (GRCh38, 1-based): chr13:32,332,397, A>G. VCF-style: chr13-32332397-A-G. GRCh37 (hg19) VCF-style: chr13-32906534-A-G.
Other names: short protein forms S307G.
Identifiers: ClinVar variation 863667 (VCV000863667.12), dbSNP rs1039490629, ClinGen allele CA247496240.